The following is an entry in ClinVar:

ClinVar aggregate classification (germline): Likely benign. Review status: criteria provided, single submitter (1 of 4 stars). 2 submissions from 2 submitters: Likely benign (1). 1 of the submissions does not count toward it. Last evaluated 2024-11-14.

Conditions:
ZMYM6-related disorder. Also called: ZMYM6-related condition.

Allele frequency attached by ClinVar (database versions not stated): gnomAD exomes 0.00043; ExAC 0.00129; 1000 Genomes Project 30x 0.00219; 1000 Genomes Project 0.00260; gnomAD 0.00352; ESP Exome Variant Server 0.00354; TOPMed 0.00397.
gnomAD v4.1: 1,233 of 1,613,532 alleles (0.076%); highest among the groups gnomAD compares: African/African-American, 1.2%; 9 homozygotes.

Submissions (2):

Blueprint Genetics
Classification: Likely benign. Last evaluated: 2024-11-14. Review status: criteria provided, single submitter. Criteria: ACMG Guidelines, 2015. Collection method: clinical testing. Allele origin: germline.

PreventionGenetics, part of Exact Sciences
Classification: Benign for ZMYM6-related condition. Last evaluated: 2019-05-16. Review status: no assertion criteria provided. Collection method: clinical testing. Allele origin: germline. Not counted in ClinVar's aggregate classification.
Comment: This variant is classified as benign based on ACMG/AMP sequence variant interpretation guidelines (Richards et al. 2015 PMID: 25741868, with internal and published modifications).

NM_007167.4(ZMYM6):c.1091A>C (p.Asn364Thr)

Gene: ZMYM6 (zinc finger MYM-type containing 6; minus strand). Cytogenetic location: 1p34.3.
Variant type: single nucleotide variant.
Coding change: c.1091A>C on transcript NM_007167.4 (MANE Select); coding-DNA position 1091, A replaced by C.
Protein change: p.Asn364Thr; replaces asparagine 364 with threonine.
Molecular consequence: missense variant.
Genome position (GRCh38, 1-based): chr1:35,011,008, T>G on the plus strand (A>C on the coding strand, the complement: ZMYM6 is on the minus strand). VCF-style: chr1-35011008-T-G. GRCh37 (hg19) VCF-style: chr1-35476609-T-G.
Other names: short protein forms N364T.
Identifiers: ClinVar variation 3041172 (VCV003041172.3), dbSNP rs147439192, ClinGen allele CA756589.